The following is an entry in ClinVar:

ClinVar aggregate classification (germline): Uncertain significance. Review status: criteria provided, multiple submitters, no conflicts (2 of 4 stars). 2 submissions from 2 submitters: Uncertain significance (2). Last evaluated 2025-07-13.

Conditions:
Inborn genetic diseases. Identifiers: MedGen C0950123, MeSH D030342.
Developmental and epileptic encephalopathy, 30 (DEE30). Also called: Epileptic encephalopathy, early infantile, 30. Identifiers: MedGen C4225360, MONDO:0014595, OMIM 616341.

Submissions (2):

Ambry Genetics
Classification: Uncertain significance for Inborn genetic diseases. Last evaluated: 2025-07-13. Review status: criteria provided, single submitter. Criteria: Ambry Variant Classification Scheme 2023. Collection method: clinical testing. Allele origin: germline.

Labcorp Genetics (formerly Invitae), Labcorp
Classification: Uncertain significance for Developmental and epileptic encephalopathy, 30. Last evaluated: 2023-09-27. Review status: criteria provided, single submitter. Criteria: Invitae Variant Classification Sherloc (09022015). Collection method: clinical testing. Allele origin: germline.
Comment: In summary, the available evidence is currently insufficient to determine the role of this variant in disease. Therefore, it has been classified as a Variant of Uncertain Significance. Advanced modeling of protein sequence and biophysical properties (such as structural, functional, and spatial information, amino acid conservation, physicochemical variation, residue mobility, and thermodynamic stability) performed at Invitae indicates that this missense variant is not expected to disrupt SIK1 protein function. ClinVar contains an entry for this variant (Variation ID: 1010466). This variant has not been reported in the literature in individuals affected with SIK1-related conditions. This variant is present in population databases (rs766038492, gnomAD 0.003%). This sequence change replaces arginine, which is basic and polar, with glutamine, which is neutral and polar, at codon 319 of the SIK1 protein (p.Arg319Gln).

NM_173354.5(SIK1):c.956G>A (p.Arg319Gln)

Gene: SIK1 (salt inducible kinase 1; minus strand). Cytogenetic location: 21q22.3.
Variant type: single nucleotide variant.
Coding change: c.956G>A on transcript NM_173354.5 (MANE Select); coding-DNA position 956, G replaced by A.
Protein change: p.Arg319Gln; replaces arginine 319 with glutamine.
Molecular consequence: missense variant.
Genome position (GRCh38, 1-based): chr21:43,420,250, C>T on the plus strand (G>A on the coding strand, the complement: SIK1 is on the minus strand). VCF-style: chr21-43420250-C-T. GRCh37 (hg19) VCF-style: chr21-44840130-C-T.
Other names: c.956G>A (NM_173354.3); short protein forms R319Q.
Identifiers: ClinVar variation 1010466 (VCV001010466.9), dbSNP rs766038492, ClinGen allele CA321326708.